The following is an entry in ClinVar:

ClinVar aggregate classification (germline): Uncertain significance (1 of 4 stars; one submission).

Conditions:
Charcot-Marie-Tooth disease axonal type 2C (HMSN2C). Also called: CHARCOT-MARIE-TOOTH DISEASE, AXONAL, AUTOSOMAL DOMINANT, TYPE 2C; Charcot-Marie-Tooth Neuropathy Type 2C; Charcot-Marie-Tooth Disease Type 2, TRPV4-Related (CMT2C). Identifiers: Orphanet 99937, MedGen C1853710, MONDO:0011633, OMIM 606071.

gnomAD v4.1: 7 of 1,613,216 alleles (0.00043%); highest among the groups gnomAD compares: East Asian, 0.0022%; no homozygotes.

Submission:

Labcorp Genetics (formerly Invitae), Labcorp
Classification: Uncertain significance for Charcot-Marie-Tooth disease axonal type 2C. Last evaluated: 2021-08-26. Review status: criteria provided, single submitter. Criteria: Invitae Variant Classification Sherloc (09022015). Collection method: clinical testing. Allele origin: germline.
Comment: This sequence change replaces alanine with threonine at codon 245 of the TRPV4 protein (p.Ala245Thr). The alanine residue is highly conserved and there is a small physicochemical difference between alanine and threonine. This variant is not present in population databases (ExAC no frequency). This variant has not been reported in the literature in individuals affected with TRPV4-related conditions. Algorithms developed to predict the effect of missense changes on protein structure and function are either unavailable or do not agree on the potential impact of this missense change (SIFT: "Deleterious"; PolyPhen-2: "Probably Damaging"; Align-GVGD: "Class C0"). In summary, the available evidence is currently insufficient to determine the role of this variant in disease. Therefore, it has been classified as a Variant of Uncertain Significance.

NM_021625.5(TRPV4):c.733G>A (p.Ala245Thr)

Gene: TRPV4 (transient receptor potential cation channel subfamily V member 4; minus strand). Cytogenetic location: 12q24.11.
Variant type: single nucleotide variant.
Coding change: c.733G>A on transcript NM_021625.5 (MANE Select); coding-DNA position 733, G replaced by A.
Protein change: p.Ala245Thr; replaces alanine 245 with threonine.
Molecular consequence: missense variant. On other transcripts: intron variant (2).
Genome position (GRCh38, 1-based): chr12:109,800,738, C>T on the plus strand (G>A on the coding strand, the complement: TRPV4 is on the minus strand). VCF-style: chr12-109800738-C-T. GRCh37 (hg19) VCF-style: chr12-110238543-C-T.
Other names: c.631G>A, p.Ala211Thr (NM_001177431.2); c.733G>A, p.Ala245Thr (NM_147204.3); c.713-1826G>A (NM_001177433.1, NM_001177428.1); short protein forms A211T, A245T.
Identifiers: ClinVar variation 843886 (VCV000843886.6), dbSNP rs761829753, ClinGen allele CA386655473.